The following is an entry in ClinVar:

ClinVar aggregate classification (germline): Uncertain significance (1 of 4 stars; one submission).

Allele frequency attached by ClinVar (database versions not stated): gnomAD exomes below 0.00001; ExAC 0.00001; gnomAD 0.00001.
gnomAD v4.1: 2 of 1,614,104 alleles (0.00012%); highest among the groups gnomAD compares: Non-Finnish European, 0.00017%; no homozygotes.

Submission:

Ambry Genetics
Classification: Uncertain significance. Last evaluated: 2024-05-20. Review status: criteria provided, single submitter. Criteria: Ambry Variant Classification Scheme 2023. Collection method: clinical testing. Allele origin: germline.
Comment: The p.S380G variant (also known as c.1138A>G), located in coding exon 6 of the GALNT12 gene, results from an A to G substitution at nucleotide position 1138. The serine at codon 380 is replaced by glycine, an amino acid with similar properties. This amino acid position is well conserved in available vertebrate species. In addition, this alteration is predicted to be deleterious by in silico analysis. Since supporting evidence is limited at this time, the clinical significance of this alteration remains unclear.

NM_024642.5(GALNT12):c.1138A>G (p.Ser380Gly)

Gene: GALNT12 (polypeptide N-acetylgalactosaminyltransferase 12; plus strand). Cytogenetic location: 9q22.33.
Variant type: single nucleotide variant.
Coding change: c.1138A>G on transcript NM_024642.5 (MANE Select); coding-DNA position 1138, A replaced by G.
Protein change: p.Ser380Gly; replaces serine 380 with glycine.
Molecular consequence: missense variant.
Genome position (GRCh38, 1-based): chr9:98,837,074, A>G. VCF-style: chr9-98837074-A-G. GRCh37 (hg19) VCF-style: chr9-101599356-A-G.
Other names: short protein forms S380G.
Identifiers: ClinVar variation 1730293 (VCV001730293.3), dbSNP rs779568450, ClinGen allele CA5154177.
Genomic context (GRCh38, chr9:98,837,074, plus strand): 5'-CATGTTGGCCATGTTTTCCCCAAGCAAGCTCCCTACTCCCGCAACAAGGCTCTGGCCAAC[A>G]GTGTTCGTGCAGCTGAAGTATGGATGGATGAATTTAAAGAGCTCTACTACCATCGCAACC-3'
Protein context (NP_078918.3, residues 370-390): PYSRNKALAN[Ser380Gly]VRAAEVWMDE